The following is an entry in ClinVar:

NM_177438.3(DICER1):c.4417T>G (p.Ser1473Ala)

Gene: DICER1 (dicer 1, ribonuclease III; minus strand). Cytogenetic location: 14q32.13.
Variant type: single nucleotide variant.
Coding change: c.4417T>G on transcript NM_177438.3 (MANE Select); coding-DNA position 4417, T replaced by G.
Protein change: p.Ser1473Ala; replaces serine 1473 with alanine.
Molecular consequence: missense variant.
Genome position (GRCh38, 1-based): chr14:95,096,503, A>C on the plus strand (T>G on the coding strand, the complement: DICER1 is on the minus strand). VCF-style: chr14-95096503-A-C. GRCh37 (hg19) VCF-style: chr14-95562840-A-C.
Other names: c.4417T>G (NM_177438.2); c.4417T>G, p.Ser1473Ala (NM_001195573.1, NM_001271282.3, NM_001291628.2 and 1 more transcripts); short protein forms S1473A.
Identifiers: ClinVar variation 1011498 (VCV001011498.11), dbSNP rs1890354468, ClinGen allele CA390868680.

ClinVar aggregate classification (germline): Uncertain significance. Review status: criteria provided, multiple submitters, no conflicts (2 of 4 stars). 2 submissions from 2 submitters: Uncertain significance (2). Last evaluated 2024-01-16.

Conditions:
DICER1-related tumor predisposition. Also called: DICER1-related pleuropulmonary blastoma cancer predisposition syndrome; DICER1 syndrome. Identifiers: Orphanet 284343, MedGen C3839822, MONDO:0100216.
Hereditary cancer-predisposing syndrome. Also called: Tumor predisposition; Hereditary Cancer Syndrome; Neoplastic Syndromes, Hereditary; Hereditary neoplastic syndrome. Identifiers: Orphanet 140162, MedGen C0027672, MeSH D009386, MONDO:0015356.

Submissions (2):

Ambry Genetics
Classification: Uncertain significance for Hereditary cancer-predisposing syndrome. Last evaluated: 2024-01-16. Review status: criteria provided, single submitter. Criteria: Ambry Variant Classification Scheme 2023. Collection method: clinical testing. Allele origin: germline.
Comment: The p.S1473A variant (also known as c.4417T>G), located in coding exon 22 of the DICER1 gene, results from a T to G substitution at nucleotide position 4417. The serine at codon 1473 is replaced by alanine, an amino acid with similar properties. This amino acid position is conserved. In addition, this alteration is predicted to be tolerated by in silico analysis. Since supporting evidence is limited at this time, the clinical significance of this alteration remains unclear.

Labcorp Genetics (formerly Invitae), Labcorp
Classification: Uncertain significance for DICER1-related tumor predisposition. Last evaluated: 2022-11-22. Review status: criteria provided, single submitter. Criteria: Invitae Variant Classification Sherloc (09022015). Collection method: clinical testing. Allele origin: germline.
Comment: In summary, the available evidence is currently insufficient to determine the role of this variant in disease. Therefore, it has been classified as a Variant of Uncertain Significance. Algorithms developed to predict the effect of missense changes on protein structure and function output the following: SIFT: "Tolerated"; PolyPhen-2: "Benign"; Align-GVGD: "Class C0". The alanine amino acid residue is found in multiple mammalian species, which suggests that this missense change does not adversely affect protein function. ClinVar contains an entry for this variant (Variation ID: 1011498). This variant has not been reported in the literature in individuals affected with DICER1-related conditions. This variant is not present in population databases (gnomAD no frequency). This sequence change replaces serine, which is neutral and polar, with alanine, which is neutral and non-polar, at codon 1473 of the DICER1 protein (p.Ser1473Ala).